The following is an entry in ClinVar:

ClinVar aggregate classification (germline): Likely pathogenic (1 of 4 stars; one submission).

Conditions:
Radio-Tartaglia syndrome. Identifiers: Orphanet 662234, MedGen C5543339, MONDO:0859143, OMIM 619312.

Submission:

Molecular Genetics Laboratory, Motol Hospital
Classification: Likely pathogenic for Radio-Tartaglia syndrome. Last evaluated: 2026-04-11. Review status: criteria provided, single submitter. Criteria: ACMG Guidelines, 2015. Collection method: clinical testing. Allele origin: germline. Inheritance: Sporadic. Affected: yes. Observed: 1 variant allele, 1 heterozygote.
Comment: The variant is not present in gnomAD (v4.1.1). Rare loss-of-function heterozygous variants in the SPEN gene are associated with autosomal dominant Radio-Tartaglia syndrome (RATARS). The variant is classified as likely pathogenic (ACMG PVS1, PM2).

Literature cited by the submitters: PubMed 33596411.

NM_015001.3(SPEN):c.4367dup (p.Ser1457fs)

Gene: SPEN (spen family transcriptional repressor; plus strand). Cytogenetic location: 1p36.13.
Variant type: Duplication.
Coding change: c.4367dup on transcript NM_015001.3 (MANE Select); coding-DNA position 4367, one base duplicated (C; older notation c.4367dupC).
Protein change: p.Ser1457fs; shifts the reading frame from serine 1457.
Molecular consequence: frameshift variant.
Genome position (GRCh38, 1-based): chr1:15,930,607, C duplicated. VCF-style (leftmost placement, unchanged base first): chr1-15930606-T-TC. GRCh37 (hg19) VCF-style: chr1-16257101-T-TC.
Other names: short protein forms S1457fs.
Identifiers: ClinVar variation 4820653 (VCV004820653.1).
Genomic context (GRCh38, chr1:15,930,606, plus strand): 5'-TTGGATAAGACAATCACACCAGACACTAAAGCTTTGCTTGAAAGAGCTAAATCCCTCTCT[T>TC]CATCTCGTGAAGAAAATTGGTCTTTTCTTGATTGGGACTCCCGATTTGCAAATTTTCGAA-3'